The following is an entry in ClinVar:

ClinVar aggregate classification (germline): Pathogenic (1 of 4 stars; one submission).

Submission:

Labcorp Genetics (formerly Invitae), Labcorp
Classification: Pathogenic. Last evaluated: 2025-02-03. Review status: criteria provided, single submitter. Criteria: Invitae Variant Classification Sherloc (09022015). Collection method: clinical testing. Allele origin: germline.
Comment: This sequence change creates a premature translational stop signal (p.Asn182*) in the CEP78 gene. It is expected to result in an absent or disrupted protein product. Loss-of-function variants in CEP78 are known to be pathogenic (PMID: 27588451, 27588452, 27627988). This variant is not present in population databases (gnomAD no frequency). This variant has not been reported in the literature in individuals affected with CEP78-related conditions. ClinVar contains an entry for this variant (Variation ID: 2132805). For these reasons, this variant has been classified as Pathogenic.

Literature cited by the submitters: PubMed 27588451; PubMed 27588452; PubMed 27627988.

NM_001330691.3(CEP78):c.543_556del (p.Val181_Asn182insTer)

Gene: CEP78 (centrosomal protein 78; plus strand). Cytogenetic location: 9q21.2.
Variant type: Deletion.
Coding change: c.543_556del on transcript NM_001330691.3 (MANE Select); coding-DNA positions 543 to 556, 14 bases deleted (CAACTTCACAGGAT).
Protein change: p.Val181_Asn182insTer.
Molecular consequence: frameshift variant.
Genome position (GRCh38, 1-based): chr9:78,241,739-78,241,752, CAACTTCACAGGAT deleted; deleting any 14 consecutive bases within chr9:78,241,738-78,241,752 gives the same sequence; the c. name uses the placement nearest the transcript's 3' end. VCF-style (leftmost placement, unchanged base first): chr9-78241737-GTCAACTTCACAGGA-G. GRCh37 (hg19) VCF-style: chr9-80856653-GTCAACTTCACAGGA-G.
Other names: c.543_556del, p.Val181_Asn182insTer (NM_001098802.3, NM_001330693.3, NM_001330694.2 and 4 more transcripts).
Identifiers: ClinVar variation 2132805 (VCV002132805.4), dbSNP rs1826241208, ClinGen allele CA1857637044.